The following is an entry in ClinVar:

NM_000091.5(COL4A3):c.3928G>T (p.Gly1310Ter)

Genes: MFF-DT (MFF divergent transcript; minus strand), COL4A3 (collagen type IV alpha 3 chain; plus strand). Cytogenetic location: 2q36.3.
Variant type: single nucleotide variant.
Coding change: c.3928G>T on transcript NM_000091.5 (MANE Select); coding-DNA position 3928, G replaced by T.
Protein change: p.Gly1310Ter; replaces glycine 1310 with a stop codon.
Molecular consequence: nonsense.
Genome position (GRCh38, 1-based): chr2:227,303,083, G>T. VCF-style: chr2-227303083-G-T. GRCh37 (hg19) VCF-style: chr2-228167799-G-T.
Other names: short protein forms G1310*.
Identifiers: ClinVar variation 2627886 (VCV002627886.2), dbSNP rs2469904962, ClinGen allele CA350862167.

ClinVar aggregate classification (germline): Likely pathogenic (0 of 4 stars; one submission).

Conditions:
Alport syndrome 3b, autosomal recessive. Identifiers: MedGen C5882699, MONDO:0957811, OMIM 620536.

Submission:

Medical Genetics Department, Charles Nicolle Hospital Tunis
Classification: Likely pathogenic for Alport syndrome 3b, autosomal recessive. Last evaluated: 2022-09-05. Review status: no assertion criteria provided. Collection method: clinical testing. Allele origin: inherited. Inheritance: Autosomal recessive inheritance. Affected: yes. Observed: 1 homozygote.
Comment: The c.3928G>T p.(Gly1310*) variant in Col4A3 has been described in 2 Tunisian families with autosomal recessive Alport Syndrome, segregated with the disease in 2 affected relatives , and was absent in 50 normal Tunisian controls. Additionally Alamut analysis indicate that the Gly1310* variant, is likely pathogenic. In summary, the Gly1310* variant meets criteria to be classified as likely pathogenic based upon segregation studies, absence from controls, and in silico evidence.

Literature cited by the submitters: DOI 10.3389/fmed.2022.865034.